The following is an entry in ClinVar:

NM_000814.6(GABRB3):c.358G>A (p.Asp120Asn)

Gene: GABRB3 (gamma-aminobutyric acid type A receptor subunit beta3; minus strand). Cytogenetic location: 15q12.
Variant type: single nucleotide variant.
Coding change: c.358G>A on transcript NM_000814.6 (MANE Select); coding-DNA position 358, G replaced by A.
Protein change: p.Asp120Asn; replaces aspartic acid 120 with asparagine.
Molecular consequence: missense variant. On other transcripts: non-coding transcript variant (1).
Genome position (GRCh38, 1-based): chr15:26,621,417, C>T on the plus strand (G>A on the coding strand, the complement: GABRB3 is on the minus strand). VCF-style: chr15-26621417-C-T. GRCh37 (hg19) VCF-style: chr15-26866564-C-T.
Other names: c.358G>A (NM_000814.5); c.103G>A, p.Asp35Asn (NM_001191320.2, NM_001278631.2); c.145G>A, p.Asp49Asn (NM_001191321.3); c.358G>A, p.Asp120Asn (NM_021912.5); short protein forms D120N, D35N, D49N.
Identifiers: ClinVar variation 254261 (VCV000254261.12), dbSNP rs886037938, ClinGen allele CA10586387.
Genomic context (GRCh38, chr15:26,621,417, plus strand): 5'-TGCGGTTTTTCACTGTCACTCCATGCACAAATGACTTTTTGTCATTTAAGAAATATGTGT[C>T]GGGCACCCATAGCTGGTCAGCCACTCGATTGTCAAGCGTGAGGTTGAGAGGGATCCCAGA-3'
Protein context (NP_000805.1, residues 110-130): NRVADQLWVP[Asp120Asn]TYFLNDKKSF

ClinVar aggregate classification (germline): Pathogenic/Likely pathogenic. Review status: criteria provided, multiple submitters, no conflicts (2 of 4 stars). 6 submissions from 6 submitters: Pathogenic (4); Likely pathogenic (1). 1 of the submissions does not count toward it. Last evaluated 2024-10-04.

Conditions:
Epilepsy, childhood absence, susceptibility to, 1. Also called: Epilepsy, childhood absence 1. Identifiers: Orphanet 64280, MedGen C1838604, MONDO:0020759, OMIM 600131.
Epilepsy, childhood absence, susceptibility to, 5. Identifiers: Orphanet 64280, MedGen C2677087, MONDO:0012843, OMIM 612269.
Developmental and epileptic encephalopathy, 43 (DEE43). Also called: Epileptic encephalopathy, early infantile, 43. Identifiers: MedGen C4310712, MONDO:0014921, OMIM 617113.
Epilepsy. Also called: Seizure disorder. Identifiers: MedGen C0014544, MeSH D004827, MONDO:0005027.
Neurodevelopmental delay. Identifiers: MedGen C4022738, HP:0012758.

Submissions (6):

Dubai Health Genomic Medicine Center, Dubai Health
Classification: Pathogenic for Epilepsy. Last evaluated: 2024-10-04. Review status: criteria provided, single submitter. Criteria: ACMG Guidelines, 2015. Collection method: research. Allele origin: germline. Affected: yes.
Comment: PS3,PS2,PM3(strong),PM2,PP3

GeneDx
Classification: Pathogenic. Last evaluated: 2024-04-10. Review status: criteria provided, single submitter. Criteria: GeneDx Variant Classification Process June 2021. Collection method: clinical testing. Allele origin: germline.
Comment: Published functional studies demonstrate a damaging effect and suggest that this variant is damaging to b3 GABA channel function (PMID: 26950270); Not observed at significant frequency in large population cohorts (gnomAD); In silico analysis supports that this missense variant has a deleterious effect on protein structure/function; This variant is associated with the following publications: (PMID: 25124326, 27476654, 26645412, 23934111, 30728247, 32467926, 33004838, 34906499, 34698933, 35718920, 36077081, 33301879, 37176165, 26950270)

Labcorp Genetics (formerly Invitae), Labcorp
Classification: Pathogenic for Epilepsy, childhood absence, susceptibility to, 5; Epilepsy, childhood absence, susceptibility to, 1. Last evaluated: 2024-03-22. Review status: criteria provided, single submitter. Criteria: Invitae Variant Classification Sherloc (09022015). Collection method: clinical testing. Allele origin: germline.
Comment: This sequence change replaces aspartic acid, which is acidic and polar, with asparagine, which is neutral and polar, at codon 120 of the GABRB3 protein (p.Asp120Asn). This variant is not present in population databases (gnomAD no frequency). This missense change has been observed in individual(s) with Lennox-Gastaut syndrome (PMID: 23934111). In at least one individual the variant was observed to be de novo. ClinVar contains an entry for this variant (Variation ID: 254261). Advanced modeling of protein sequence and biophysical properties (such as structural, functional, and spatial information, amino acid conservation, physicochemical variation, residue mobility, and thermodynamic stability) performed at Invitae indicates that this missense variant is expected to disrupt GABRB3 protein function with a positive predictive value of 95%. Experimental studies have shown that this missense change affects GABRB3 function (PMID: 26950270). For these reasons, this variant has been classified as Pathogenic.

Institute of Human Genetics Munich, TUM University Hospital
Classification: Pathogenic for Developmental and epileptic encephalopathy, 43. Last evaluated: 2022-06-10. Review status: criteria provided, single submitter. Criteria: Classification criteria August 2017. Collection method: clinical testing. Allele origin: maternal. Inheritance: Autosomal dominant inheritance. Affected: yes. Observed: 1 variant allele.

Centre de Biologie Pathologie Génétique, Centre Hospitalier Universitaire de Lille
Classification: Likely pathogenic for Neurodevelopmental delay. Review status: criteria provided, single submitter. Criteria: ACMG Guidelines, 2015. Collection method: clinical testing. Allele origin: unknown. Affected: yes.

OMIM
Classification: Pathogenic for DEVELOPMENTAL AND EPILEPTIC ENCEPHALOPATHY 43. Last evaluated: 2013-09-12. Review status: no assertion criteria provided. Collection method: literature only. Allele origin: germline. Not counted in ClinVar's aggregate classification.

Literature cited by the submitters: PubMed 23934111 (cited by Labcorp Genetics (formerly Invitae), Labcorp and OMIM); PubMed 26950270 (cited by Labcorp Genetics (formerly Invitae), Labcorp); PubMed 27476654 (cited by Institute of Human Genetics Munich, TUM University Hospital).